The following is an entry in ClinVar:

NM_025137.4(SPG11):c.2184G>C (p.Leu728Phe)

Gene: SPG11 (SPG11 vesicle trafficking associated, spatacsin; minus strand). Cytogenetic location: 15q21.1.
Variant type: single nucleotide variant.
Coding change: c.2184G>C on transcript NM_025137.4 (MANE Select); coding-DNA position 2184, G replaced by C.
Protein change: p.Leu728Phe; replaces leucine 728 with phenylalanine.
Molecular consequence: missense variant.
Genome position (GRCh38, 1-based): chr15:44,626,391, C>G on the plus strand (G>C on the coding strand, the complement: SPG11 is on the minus strand). VCF-style: chr15-44626391-C-G. GRCh37 (hg19) VCF-style: chr15-44918589-C-G.
Other names: c.2184G>C, p.Leu728Phe (NM_001160227.2, NM_001411132.1); short protein forms L728F.
Identifiers: ClinVar variation 1787311 (VCV001787311.7), dbSNP rs1567172748, ClinGen allele CA392233461.

ClinVar aggregate classification (germline): Uncertain significance. Review status: criteria provided, multiple submitters, no conflicts (2 of 4 stars). 2 submissions from 2 submitters: Uncertain significance (2). Last evaluated 2022-06-16.

Conditions:
Hereditary spastic paraplegia 11. Also called: SPASTIC PARAPLEGIA, AUTOSOMAL RECESSIVE, COMPLICATED, WITH THIN CORPUS CALLOSUM; SPASTIC PARAPLEGIA, AUTOSOMAL RECESSIVE, WITH MENTAL IMPAIRMENT AND THIN CORPUS CALLOSUM; Nakamura Osame syndrome; Autosomal recessive hereditary spastic paraplegia, mental impairment, and thin corpus callosum; Spastic paraplegia, mental retardation and thin corpus callosum; Spastic Paraplegia 11. Identifiers: Orphanet 2822, MedGen C1858479, MONDO:0011445, OMIM 604360.
Inborn genetic diseases. Identifiers: MedGen C0950123, MeSH D030342.

Allele frequency attached by ClinVar (database versions not stated): gnomAD exomes below 0.00001; TOPMed below 0.00001; gnomAD 0.00001.
gnomAD v4.1: 4 of 1,613,436 alleles (0.00025%); highest among the groups gnomAD compares: Non-Finnish European, 0.00034%; no homozygotes.

Submissions (2):

Labcorp Genetics (formerly Invitae), Labcorp
Classification: Uncertain significance for Hereditary spastic paraplegia 11. Last evaluated: 2022-06-16. Review status: criteria provided, single submitter. Criteria: Invitae Variant Classification Sherloc (09022015). Collection method: clinical testing. Allele origin: germline.
Comment: This sequence change replaces leucine, which is neutral and non-polar, with phenylalanine, which is neutral and non-polar, at codon 728 of the SPG11 protein (p.Leu728Phe). In summary, the available evidence is currently insufficient to determine the role of this variant in disease. Therefore, it has been classified as a Variant of Uncertain Significance. Algorithms developed to predict the effect of missense changes on protein structure and function are either unavailable or do not agree on the potential impact of this missense change (SIFT: "Tolerated"; PolyPhen-2: "Probably Damaging"; Align-GVGD: "Class C0"). This variant has not been reported in the literature in individuals affected with SPG11-related conditions. This variant is not present in population databases (gnomAD no frequency).

Ambry Genetics
Classification: Uncertain significance for Inborn genetic diseases. Last evaluated: 2021-07-14. Review status: criteria provided, single submitter. Criteria: Ambry Variant Classification Scheme 2023. Collection method: clinical testing. Allele origin: germline.